The following is an entry in ClinVar:

NM_173354.5(SIK1):c.1721C>T (p.Ala574Val)

Gene: SIK1 (salt inducible kinase 1; minus strand). Cytogenetic location: 21q22.3.
Variant type: single nucleotide variant.
Coding change: c.1721C>T on transcript NM_173354.5 (MANE Select); coding-DNA position 1721, C replaced by T.
Protein change: p.Ala574Val; replaces alanine 574 with valine.
Molecular consequence: missense variant.
Genome position (GRCh38, 1-based): chr21:43,418,283, G>A on the plus strand (C>T on the coding strand, the complement: SIK1 is on the minus strand). VCF-style: chr21-43418283-G-A. GRCh37 (hg19) VCF-style: chr21-44838163-G-A.
Other names: short protein forms A574V.
Identifiers: ClinVar variation 1942785 (VCV001942785.5), dbSNP rs2516965149, ClinGen allele CA410607445.

ClinVar aggregate classification (germline): Uncertain significance (1 of 4 stars; one submission).

Conditions:
Developmental and epileptic encephalopathy, 30 (DEE30). Also called: Epileptic encephalopathy, early infantile, 30. Identifiers: MedGen C4225360, MONDO:0014595, OMIM 616341.

Submission:

Labcorp Genetics (formerly Invitae), Labcorp
Classification: Uncertain significance for Developmental and epileptic encephalopathy, 30. Last evaluated: 2023-05-23. Review status: criteria provided, single submitter. Criteria: Invitae Variant Classification Sherloc (09022015). Collection method: clinical testing. Allele origin: germline.
Comment: In summary, the available evidence is currently insufficient to determine the role of this variant in disease. Therefore, it has been classified as a Variant of Uncertain Significance. An algorithm developed to predict the effect of missense changes on protein structure and function (PolyPhen-2) suggests that this variant is likely to be disruptive. ClinVar contains an entry for this variant (Variation ID: 1942785). This variant has not been reported in the literature in individuals affected with SIK1-related conditions. This variant is not present in population databases (gnomAD no frequency). This sequence change replaces alanine, which is neutral and non-polar, with valine, which is neutral and non-polar, at codon 574 of the SIK1 protein (p.Ala574Val).